The following is an entry in ClinVar:

ClinVar aggregate classification (germline): Pathogenic (1 of 4 stars; one submission).

Submission:

GeneDx
Classification: Pathogenic. Last evaluated: 2023-03-06. Review status: criteria provided, single submitter. Criteria: GeneDx Variant Classification Process June 2021. Collection method: clinical testing. Allele origin: germline. Affected: yes.
Comment: Canonical splice site variant predicted to result in a null allele in a gene for which loss of function is a known mechanism of disease; Not observed at significant frequency in large population cohorts (gnomAD); This variant is associated with the following publications: (PMID: 31106028, 31630094)

NM_020366.4(RPGRIP1):c.2895+2T>C

Gene: RPGRIP1 (RPGR interacting protein 1; plus strand). Cytogenetic location: 14q11.2.
Variant type: single nucleotide variant.
Coding change: c.2895+2T>C on transcript NM_020366.4 (MANE Select); the canonical splice donor site of the intron after coding-DNA position 2895, T replaced by C.
Molecular consequence: splice donor variant.
Genome position (GRCh38, 1-based): chr14:21,327,809, T>C. VCF-style: chr14-21327809-T-C. GRCh37 (hg19) VCF-style: chr14-21795968-T-C.
Other names: c.1821+2T>C (NM_001377948.1); c.981+2T>C (NM_001377949.1); c.873+2T>C (NM_001377523.1, NM_001377950.1); c.375+2T>C (NM_001377951.1).
Identifiers: ClinVar variation 2578117 (VCV002578117.1), dbSNP rs2502841290, ClinGen allele CA388870857.